The following is an entry in ClinVar:

NM_001042492.3(NF1):c.5425C>G (p.Pro1809Ala)

Gene: NF1 (neurofibromin 1; plus strand). Cytogenetic location: 17q11.2.
Variant type: single nucleotide variant.
Coding change: c.5425C>G on transcript NM_001042492.3 (MANE Select); coding-DNA position 5425, C replaced by G.
Protein change: p.Pro1809Ala; replaces proline 1809 with alanine.
Molecular consequence: missense variant.
Genome position (GRCh38, 1-based): chr17:31,327,655, C>G. VCF-style: chr17-31327655-C-G. GRCh37 (hg19) VCF-style: chr17-29654673-C-G.
Other names: c.5362C>G, p.Pro1788Ala (NM_000267.4); short protein forms P1788A, P1809A.
Identifiers: ClinVar variation 4032935 (VCV004032935.1).

ClinVar aggregate classification (germline): Uncertain significance (1 of 4 stars; one submission).

Conditions:
Cardiovascular phenotype. Identifiers: MedGen CN230736.
Hereditary cancer-predisposing syndrome. Also called: Neoplastic Syndromes, Hereditary; Tumor predisposition; Hereditary neoplastic syndrome; Hereditary Cancer Syndrome. Identifiers: Orphanet 140162, MedGen C0027672, MeSH D009386, MONDO:0015356.

Submission:

Ambry Genetics
Classification: Uncertain significance for Cardiovascular phenotype; Hereditary cancer-predisposing syndrome. Last evaluated: 2025-05-22. Review status: criteria provided, single submitter. Criteria: Ambry Variant Classification Scheme 2023. Collection method: clinical testing. Allele origin: germline.
Comment: The p.P1788A variant (also known as c.5362C>G), located in coding exon 37 of the NF1 gene, results from a C to G substitution at nucleotide position 5362. The proline at codon 1788 is replaced by alanine, an amino acid with highly similar properties. This amino acid position is conserved. In addition, the in silico prediction for this alteration is inconclusive. Based on the available evidence, the clinical significance of this variant remains unclear.